The following is an entry in ClinVar:

ClinVar aggregate classification (germline): Uncertain significance. Review status: criteria provided, multiple submitters, no conflicts (2 of 4 stars). 4 submissions from 4 submitters: Uncertain significance (4). Last evaluated 2022-12-28.

Conditions:
Neutral lipid storage myopathy (NLSDM). Also called: NEUTRAL LIPID STORAGE DISEASE WITHOUT ICHTHYOSIS. Identifiers: Orphanet 98908, MedGen C1853136, MONDO:0012545, OMIM 610717.

Allele frequency attached by ClinVar (database versions not stated): gnomAD 0.00001; gnomAD exomes 0.00001; TOPMed 0.00002.
gnomAD v4.1: 21 of 1,613,384 alleles (0.0013%); highest among the groups gnomAD compares: Non-Finnish European, 0.0017%; no homozygotes.

Submissions (4):

Mayo Clinic Laboratories, Mayo Clinic
Classification: Uncertain significance. Last evaluated: 2022-12-28. Review status: criteria provided, single submitter. Criteria: ACMG Guidelines, 2015. Collection method: clinical testing. Allele origin: germline. Observed: 1 variant allele.
Comment: PM2

Labcorp Genetics (formerly Invitae), Labcorp
Classification: Uncertain significance for Neutral lipid storage myopathy. Last evaluated: 2021-08-05. Review status: criteria provided, single submitter. Criteria: Invitae Variant Classification Sherloc (09022015). Collection method: clinical testing. Allele origin: germline.
Comment: In summary, the available evidence is currently insufficient to determine the role of this variant in disease. Therefore, it has been classified as a Variant of Uncertain Significance. Algorithms developed to predict the effect of missense changes on protein structure and function (SIFT, PolyPhen-2, Align-GVGD) all suggest that this variant is likely to be disruptive. ClinVar contains an entry for this variant (Variation ID: 306298). This variant has not been reported in the literature in individuals affected with PNPLA2-related conditions. This variant is not present in population databases (ExAC no frequency). This sequence change replaces proline with leucine at codon 228 of the PNPLA2 protein (p.Pro228Leu). The proline residue is highly conserved and there is a moderate physicochemical difference between proline and leucine.

Revvity Omics, Revvity
Classification: Uncertain significance for Neutral lipid storage myopathy. Last evaluated: 2019-12-09. Review status: criteria provided, single submitter. Criteria: ACMG Guidelines, 2015. Collection method: clinical testing. Allele origin: germline.

Illumina Laboratory Services, Illumina
Classification: Uncertain significance for Neutral lipid storage myopathy. Last evaluated: 2018-01-12. Review status: criteria provided, single submitter. Criteria: ICSL Variant Classification Criteria 13 December 2019. Collection method: clinical testing. Allele origin: germline.

NM_020376.4(PNPLA2):c.683C>T (p.Pro228Leu)

Gene: PNPLA2 (patatin like domain 2, triacylglycerol lipase; plus strand). Cytogenetic location: 11p15.5.
Variant type: single nucleotide variant.
Coding change: c.683C>T on transcript NM_020376.4 (MANE Select); coding-DNA position 683, C replaced by T.
Protein change: p.Pro228Leu; replaces proline 228 with leucine.
Molecular consequence: missense variant.
Genome position (GRCh38, 1-based): chr11:822,593, C>T. VCF-style: chr11-822593-C-T. GRCh37 (hg19) VCF-style: chr11-822593-C-T.
Other names: p.Pro228Leu; short protein forms P228L.
Identifiers: ClinVar variation 306298 (VCV000306298.12), dbSNP rs886048708, ClinGen allele CA10640360.